The following is an entry in ClinVar:

NM_206933.4(USH2A):c.10717G>C (p.Ala3573Pro)

Gene: USH2A (usherin; minus strand). Cytogenetic location: 1q41.
Variant type: single nucleotide variant.
Coding change: c.10717G>C on transcript NM_206933.4 (MANE Select); coding-DNA position 10717, G replaced by C.
Protein change: p.Ala3573Pro; replaces alanine 3573 with proline.
Molecular consequence: missense variant.
Genome position (GRCh38, 1-based): chr1:215,782,065, C>G on the plus strand (G>C on the coding strand, the complement: USH2A is on the minus strand). VCF-style: chr1-215782065-C-G. GRCh37 (hg19) VCF-style: chr1-215955407-C-G.
Other names: short protein forms A3573P.
Identifiers: ClinVar variation 4293990 (VCV004293990.1).
Genomic context (GRCh38, chr1:215,782,065, plus strand): 5'-AACCCCTTTTCCCAGAGTTTAGGCAAACTCCTCTTACCTTGCTACTGGTGGCACAGCCAG[C>G]AACCGTGCAAGCTTTCAGCTGATATGAATATTCCTGAAATGGTTGAATTCCCTCTTTATC-3'
Protein context (NP_996816.3, residues 3563-3583): YSYQLKACTV[Ala3573Pro]GCATSSKVVA

ClinVar aggregate classification (germline): Uncertain significance (1 of 4 stars; one submission).

Conditions:
USH2A-related disorder. Also called: USH2A-related condition; USH2A-related disorders. Identifiers: MedGen CN239332.

gnomAD v4.1: 1 of 1,613,906 alleles (0.000062%); highest among the groups gnomAD compares: Admixed American, 0.0017%; no homozygotes.

Submission:

3billion
Classification: Uncertain significance for USH2A-related disorder. Last evaluated: 2024-06-20. Review status: criteria provided, single submitter. Criteria: ACMG Guidelines, 2015. Collection method: clinical testing. Allele origin: germline. Affected: yes.
Comment: The variant is observed at an extremely low frequency in the gnomAD v4.0.0 dataset (total allele frequency: <0.001%). Predicted Consequence/Location: Missense variant Damaging effect on gene or gene product predicted by in silico programs is uncertain [REVEL: 0.24 (damaging >=0.6, benign <0.4), 3Cnet: 0.59 (damaging >=0.6, benign <0.15)]. Therefore, this variant is classified as VUS according to the recommendation of ACMG/AMP guideline.